The following is an entry in ClinVar:

NM_001355436.2(SPTB):c.5178+2dup

Gene: SPTB (spectrin beta, erythrocytic; minus strand). Cytogenetic location: 14q23.3.
Variant type: Duplication.
Coding change: c.5178+2dup on transcript NM_001355436.2 (MANE Select); the canonical splice donor site of the intron after coding-DNA position 5178, one base duplicated (T; older notation c.5178+2dupT).
Molecular consequence: splice donor variant.
Genome position (GRCh38, 1-based): chr14:64,773,218, A duplicated on the plus strand (T on the coding strand, the reverse complement: SPTB is on the minus strand). VCF-style (leftmost placement, unchanged base first): chr14-64773217-C-CA. GRCh37 (hg19) VCF-style: chr14-65239935-C-CA.
Other names: c.5178+2dup (NM_001024858.4, NM_001355437.2).
Identifiers: ClinVar variation 4996174 (VCV004996174.1).
Genomic context (GRCh38, chr14:64,773,217, plus strand): 5'-GACGGCTGGCTGCGTCTACCGCATTAGAGAAAGACAAAAACAGCAGGAGTTGTGGCTACT[C>CA]ACAGTCACGTGGTCAAAGTCTTGCCCCATTTCCGGGGAAGAGGCCACTAGCTCCTTTTCT-3'

ClinVar aggregate classification (germline): Likely pathogenic (1 of 4 stars; one submission).

Conditions:
SPTB-related disorder. Also called: SPTB-Related Disorders; SPTB-related condition.

Submission:

PreventionGenetics, part of Exact Sciences
Classification: Likely pathogenic for SPTB-related condition. Last evaluated: 2026-03-03. Review status: criteria provided, single submitter. Criteria: ACMG Guidelines, 2015. Collection method: clinical testing. Allele origin: germline.
Comment: The SPTB c.5178+2dupT variant is predicted to result in an intronic duplication. , which is predicted to result in a duplication within the intron donor sequence that impacts splicing based on available splicing prediction programs (SpliceAI, Jaganathan et al. 2019. PubMed ID: 30661751; Alamut Visual v1.6.1).To our knowledge, this variant has not been reported in the literature or in a large population database (gnomAD), indicating this variant is rare. Variants that disrupt the consensus splice donor site in SPTB are expected to be pathogenic. This variant is interpreted as likely pathogenic.